The following is an entry in ClinVar:

ClinVar aggregate classification (germline): Likely pathogenic (1 of 4 stars; one submission).

Conditions:
Cone-rod dystrophy 3 (CORD3). Identifiers: Orphanet 1872, MedGen C1858806, MONDO:0011395, OMIM 604116.
Retinitis pigmentosa 19 (RP19). Also called: ABCA4-Related Retinitis Pigmentosa. Identifiers: Orphanet 791, MedGen C1866422, MONDO:0011137, OMIM 601718.
Age related macular degeneration 2. Also called: MACULAR DEGENERATION, SENILE; MACULOPATHY, AGE-RELATED, 2; MACULOPATHY, AGE-RELATED. Identifiers: MedGen C3495438, MONDO:0007932, OMIM 153800.
Severe early-childhood-onset retinal dystrophy (STGD1). Also called: Stargardt macular dystrophy; Juvenile onset macular degeneration; Stargardt disease 1; MACULAR DYSTROPHY WITH FLECKS, TYPE 1; STGD. Identifiers: Orphanet 364055, Orphanet 827, MedGen C1855465, MeSH D000080362, MONDO:0009549, OMIM 248200.

Submission:

Juno Genomics, Hangzhou Juno Genomics, Inc
Classification: Likely pathogenic for Severe early-childhood-onset retinal dystrophy; Age related macular degeneration 2; Cone-rod dystrophy 3; Retinitis pigmentosa 19. Review status: criteria provided, single submitter. Criteria: ACMG Guidelines, 2015. Collection method: clinical testing. Allele origin: germline.
Comment: Null variant in a gene where loss of function (LOF) is a known mechanism of disease.;Absent from controls (or at extremely low frequency if recessive) in Genome Aggregation Database.

NM_000350.3(ABCA4):c.2091del (p.Trp697fs)

Gene: ABCA4 (ATP binding cassette subfamily A member 4; minus strand). Cytogenetic location: 1p22.1.
Variant type: Deletion.
Coding change: c.2091del on transcript NM_000350.3 (MANE Select); coding-DNA position 2091, one base deleted (G; older notation c.2091delG).
Protein change: p.Trp697fs; shifts the reading frame from tryptophan 697.
Molecular consequence: frameshift variant.
Genome position (GRCh38, 1-based): chr1:94,060,606, C deleted on the plus strand (G on the coding strand, the reverse complement: ABCA4 is on the minus strand); the first of 2 consecutive C bases (chr1:94,060,606-94,060,607); deleting either gives the same sequence. VCF-style (leftmost placement, unchanged base first): chr1-94060605-AC-A. GRCh37 (hg19) VCF-style: chr1-94526161-AC-A.
Other names: c.2091del, p.Trp697fs (NM_001425324.1); short protein forms W697fs.
Identifiers: ClinVar variation 5007279 (VCV005007279.2).